The following is an entry in ClinVar:

ClinVar aggregate classification (germline): Uncertain significance (1 of 4 stars; one submission).

Conditions:
Duchenne muscular dystrophy (DMD). Also called: MUSCULAR DYSTROPHY, PSEUDOHYPERTROPHIC PROGRESSIVE, DUCHENNE TYPE; Duchenne Muscular Dystrophy (DMD). Identifiers: Orphanet 98896, MedGen C0013264, MONDO:0010679, OMIM 310200.

Submission:

Labcorp Genetics (formerly Invitae), Labcorp
Classification: Uncertain significance for Duchenne muscular dystrophy. Last evaluated: 2023-03-18. Review status: criteria provided, single submitter. Criteria: Invitae Variant Classification Sherloc (09022015). Collection method: clinical testing. Allele origin: germline.
Comment: Advanced modeling of protein sequence and biophysical properties (such as structural, functional, and spatial information, amino acid conservation, physicochemical variation, residue mobility, and thermodynamic stability) performed at Invitae indicates that this missense variant is not expected to disrupt DMD protein function. In summary, the available evidence is currently insufficient to determine the role of this variant in disease. Therefore, it has been classified as a Variant of Uncertain Significance. This variant has not been reported in the literature in individuals affected with DMD-related conditions. This variant is not present in population databases (gnomAD no frequency). This sequence change replaces asparagine, which is neutral and polar, with threonine, which is neutral and polar, at codon 3100 of the DMD protein (p.Asn3100Thr).

NM_004006.3(DMD):c.9299A>C (p.Asn3100Thr)

Gene: DMD (dystrophin; minus strand). Cytogenetic location: Xp21.2.
Variant type: single nucleotide variant.
Coding change: c.9299A>C on transcript NM_004006.3 (MANE Select); coding-DNA position 9299, A replaced by C.
Protein change: p.Asn3100Thr; replaces asparagine 3100 with threonine.
Molecular consequence: missense variant.
Genome position (GRCh38, 1-based): chrX:31,223,109, T>G on the plus strand (A>C on the coding strand, the complement: DMD is on the minus strand). VCF-style: chrX-31223109-T-G. GRCh37 (hg19) VCF-style: chrX-31241226-T-G.
Other names: c.9275A>C, p.Asn3092Thr (NM_000109.4); c.9287A>C, p.Asn3096Thr (NM_004009.3); c.8930A>C, p.Asn2977Thr (NM_004010.3); c.5276A>C, p.Asn1759Thr (NM_004011.4); c.5267A>C, p.Asn1756Thr (NM_004012.4); c.1919A>C, p.Asn640Thr (NM_004013.3, NM_004020.4, NM_004021.3 and 2 more transcripts); c.1112A>C, p.Asn371Thr (NM_004014.3); c.95A>C, p.Asn32Thr (NM_004015.3, NM_004016.3, NM_004017.3 and 2 more transcripts); short protein forms N640T, N1759T, N2977T, N3100T, N32T, N3092T, N371T, N1756T.
Identifiers: ClinVar variation 2979541 (VCV002979541.3), dbSNP rs794729002, ClinGen allele CA412650993.